The following is an entry in ClinVar:

NM_152564.5(VPS13B):c.5239A>G (p.Lys1747Glu)

Gene: VPS13B (vacuolar protein sorting 13 homolog B; plus strand). Cytogenetic location: 8q22.2.
Variant type: single nucleotide variant.
Coding change: c.5239A>G on transcript NM_152564.5 (MANE Select); coding-DNA position 5239, A replaced by G.
Protein change: p.Lys1747Glu; replaces lysine 1747 with glutamic acid.
Molecular consequence: missense variant.
Genome position (GRCh38, 1-based): chr8:99,641,829, A>G. VCF-style: chr8-99641829-A-G. GRCh37 (hg19) VCF-style: chr8-100654057-A-G.
Other names: c.5314A>G, p.Lys1772Glu (NM_017890.5); short protein forms K1747E, K1772E.
Identifiers: ClinVar variation 4999675 (VCV004999675.1).
Genomic context (GRCh38, chr8:99,641,829, plus strand): 5'-CATGTAACTAGTTTGAAATATTTTATTACTTTTTTCTTACAGATCTCTAAACAAGAACAG[A>G]AAAAAGTGGATATATTTGATGGAGGCATGGCTGAAACCTCATCTCGCTACAGTGGTGCTC-3'
Protein context (NP_689777.3, residues 1737-1757): KAAEISKQEQ[Lys1747Glu]KVDIFDGGMA

ClinVar aggregate classification (germline): Uncertain significance (1 of 4 stars; one submission).

Conditions:
VPS13B-related disorder. Also called: VPS13B-related condition.

Submission:

PreventionGenetics, part of Exact Sciences
Classification: Uncertain significance for VPS13B-related condition. Last evaluated: 2024-10-16. Review status: criteria provided, single submitter. Criteria: ACMG Guidelines, 2015. Collection method: clinical testing. Allele origin: germline.
Comment: The VPS13B c.5239A>G variant is predicted to result in the amino acid substitution p.Lys1747Glu. To our knowledge, this variant has not been reported in the literature or in a large population database (gnomAD), indicating this variant is rare. At this time, the clinical significance of this variant is uncertain due to the absence of conclusive functional and genetic evidence.